The following is an entry in ClinVar:

NM_031206.7(LAS1L):c.747C>T (p.Ser249=)

Gene: LAS1L (LAS1 like ribosome biogenesis factor; minus strand). Cytogenetic location: Xq12.
Variant type: single nucleotide variant.
Coding change: c.747C>T on transcript NM_031206.7 (MANE Select); coding-DNA position 747, C replaced by T.
Protein change: p.Ser249=; no amino-acid change (serine 249 retained).
Molecular consequence: synonymous variant. On other transcripts: 5 prime UTR variant (1), non-coding transcript variant (1).
Genome position (GRCh38, 1-based): chrX:65,529,646, G>A on the plus strand (C>T on the coding strand, the complement: LAS1L is on the minus strand). VCF-style: chrX-65529646-G-A. GRCh37 (hg19) VCF-style: chrX-64749526-G-A.
Other names: c.747C>T, p.Ser249= (NM_001170649.2, NM_001375328.1, NM_001375329.1 and 7 more transcripts); c.621C>T, p.Ser207= (NM_001170650.2); c.-50C>T (NM_001375332.1).
Identifiers: ClinVar variation 533411 (VCV000533411.11), dbSNP rs745356580, ClinGen allele CA10434031.

ClinVar aggregate classification (germline): Likely benign. Review status: criteria provided, single submitter (1 of 4 stars). 2 submissions from 2 submitters: Likely benign (1). 1 of the submissions does not count toward it. Last evaluated 2025-10-07.

Conditions:
LAS1L-related disorder. Also called: LAS1L-related condition.
Wilson-Turner syndrome (WTS). Also called: MENTAL RETARDATION, X-LINKED, SYNDROMIC 6; INTELLECTUAL DEVELOPMENTAL DISORDER, X-LINKED, SYNDROMIC, WILSON-TURNER TYPE. Identifiers: Orphanet 3459, MedGen C1839736, MONDO:0010665, OMIM 309585.

Allele frequency attached by ClinVar (database versions not stated): ExAC 0.00001; gnomAD exomes 0.00001 and 0.00005; TOPMed 0.00001; gnomAD 0.00002.
gnomAD v4.1: 15 of 1,209,516 alleles (0.0012%); highest among the groups gnomAD compares: Middle Eastern, 0.046%; no homozygotes.

Submissions (2):

Labcorp Genetics (formerly Invitae), Labcorp
Classification: Likely benign for Wilson-Turner syndrome. Last evaluated: 2025-10-07. Review status: criteria provided, single submitter. Criteria: Invitae Variant Classification Sherloc (09022015). Collection method: clinical testing. Allele origin: germline.

PreventionGenetics, part of Exact Sciences
Classification: Likely benign for LAS1L-related condition. Last evaluated: 2019-06-06. Review status: no assertion criteria provided. Collection method: clinical testing. Allele origin: germline. Not counted in ClinVar's aggregate classification.
Comment: This variant is classified as likely benign based on ACMG/AMP sequence variant interpretation guidelines (Richards et al. 2015 PMID: 25741868, with internal and published modifications).